The following is an entry in ClinVar:

ClinVar aggregate classification (germline): Benign. Review status: criteria provided, multiple submitters, no conflicts (2 of 4 stars). 11 submissions from 10 submitters: Benign (9). 2 of the submissions do not count toward it. Last evaluated 2026-02-04.

Conditions:
Autosomal dominant nonsyndromic hearing loss 4A. Also called: Deafness, autosomal dominant 4A. Identifiers: Orphanet 90635, MedGen C1833503, MONDO:0010915, OMIM 600652.
Peripheral neuropathy-myopathy-hoarseness-hearing loss syndrome. Identifiers: Orphanet 397744, MedGen C3280556, MONDO:0013711, OMIM 614369.

Allele frequency attached by ClinVar (database versions not stated): 1000 Genomes Project 0.48442; 1000 Genomes Project 30x 0.48704; gnomAD 0.52983 and 0.53291; ESP Exome Variant Server 0.53139; TOPMed 0.53446; gnomAD exomes 0.55236 and 0.55858; ExAC 0.59804.
gnomAD v4.1: 864,532 of 1,572,796 alleles (55%); highest among the groups gnomAD compares: Admixed American, 71%; 240,711 homozygotes.

Submissions (11):

Labcorp Genetics (formerly Invitae), Labcorp
Classification: Benign. Last evaluated: 2026-02-04. Review status: criteria provided, single submitter. Criteria: Invitae Variant Classification Sherloc (09022015). Collection method: clinical testing. Allele origin: germline.

Genome-Nilou Lab
Classification: Benign for Peripheral neuropathy-myopathy-hoarseness-hearing loss syndrome. Last evaluated: 2021-09-05. Review status: criteria provided, single submitter. Criteria: ACMG Guidelines, 2015. Collection method: clinical testing. Allele origin: germline. Affected: no.

Genome-Nilou Lab
Classification: Benign for Autosomal dominant nonsyndromic hearing loss 4A. Last evaluated: 2021-09-05. Review status: criteria provided, single submitter. Criteria: ACMG Guidelines, 2015. Collection method: clinical testing. Allele origin: germline. Affected: no.

Mayo Clinic Laboratories, Mayo Clinic
Classification: Benign. Last evaluated: 2020-08-14. Review status: criteria provided, single submitter. Criteria: ACMG Guidelines, 2015. Collection method: clinical testing. Allele origin: germline. Observed: 1,104 variant alleles.

Illumina Laboratory Services, Illumina
Classification: Benign for Autosomal dominant nonsyndromic hearing loss 4A. Last evaluated: 2018-01-13. Review status: criteria provided, single submitter. Criteria: ICSL Variant Classification Criteria 13 December 2019. Collection method: clinical testing. Allele origin: germline.
Comment: This variant was observed in the ICSL laboratory as part of a predisposition screen in an ostensibly healthy population. It had not been previously curated by ICSL or reported in the Human Gene Mutation Database (HGMD: prior to June 1st, 2018), and was therefore a candidate for classification through an automated scoring system. Utilizing variant allele frequency, disease prevalence and penetrance estimates, and inheritance mode, an automated score was calculated to assess if this variant is too frequent to cause the disease. Based on the score and internal cut-off values, a variant classified as benign is not then subjected to further curation. The score for this variant resulted in a classification of benign for this disease.

GeneDx
Classification: Benign. Last evaluated: 2017-05-09. Review status: criteria provided, single submitter. Criteria: GeneDx Variant Classification (06012015). Collection method: clinical testing. Allele origin: germline. Affected: yes.
Comment: This variant is considered likely benign or benign based on one or more of the following criteria: it is a conservative change, it occurs at a poorly conserved position in the protein, it is predicted to be benign by multiple in silico algorithms, and/or has population frequency not consistent with disease.

Laboratory for Molecular Medicine, Mass General Brigham Personalized Medicine
Classification: Benign. Last evaluated: 2012-05-07. Review status: criteria provided, single submitter. Criteria: LMM Criteria. Collection method: clinical testing. Allele origin: germline. Observed: 1,346 variant alleles.
Comment: "Leu1006Leu in Exon 24 of MYH14: This variant is not expected to have clinical s ignificance because it does not alter an amino acid residue, is not located with in the splice consensus sequence, and has been identified in 47.3% (1690/3572) o f African American chromosomes from a broad population by the NHLBI Exome Sequen cing Project (dbSNP rs3745504)."

Breakthrough Genomics
Classification: Benign. Review status: criteria provided, single submitter. Criteria: ACMG Guidelines, 2015. Collection method: not provided. Allele origin: germline. Inheritance: Autosomal dominant inheritance. Affected: yes.

PreventionGenetics, part of Exact Sciences
Classification: Benign. Review status: criteria provided, single submitter. Criteria: ACMG Guidelines, 2015. Collection method: clinical testing. Allele origin: germline.

Clinical Genetics, Academic Medical Center
Classification: Benign. Review status: no assertion criteria provided. Collection method: clinical testing. Allele origin: germline. Affected: yes. Study: VKGL Data-share Consensus. Not counted in ClinVar's aggregate classification.

Joint Genome Diagnostic Labs from Nijmegen and Maastricht, Radboudumc and MUMC+
Classification: Benign. Review status: no assertion criteria provided. Collection method: clinical testing. Allele origin: germline. Affected: yes. Study: VKGL Data-share Consensus. Not counted in ClinVar's aggregate classification.

NM_001145809.2(MYH14):c.3018G>A (p.Leu1006=)

Gene: MYH14 (myosin heavy chain 14; plus strand). Cytogenetic location: 19q13.33.
Variant type: single nucleotide variant.
Coding change: c.3018G>A on transcript NM_001145809.2 (MANE Select); coding-DNA position 3018, G replaced by A.
Protein change: p.Leu1006=; no amino-acid change (leucine 1006 retained).
Molecular consequence: synonymous variant.
Genome position (GRCh38, 1-based): chr19:50,268,352, G>A. VCF-style: chr19-50268352-G-A. GRCh37 (hg19) VCF-style: chr19-50771609-G-A.
Other names: p.Leu965=; c.2919G>A, p.Leu973= (NM_001077186.2); c.2895G>A, p.Leu965= (NM_024729.4).
Identifiers: ClinVar variation 44062 (VCV000044062.24), dbSNP rs3745504, ClinGen allele CA133486.
Genomic context (GRCh38, chr19:50,268,352, plus strand): 5'-GGCTCGCGTGGGCGAGGAGGAGGAGTGCAGCCGTCAAATGCAAACCGAGAAGAAGAGGCT[G>A]CAGCAGCACATACAGGTCTGGCCCCTTGCATGCCCACCAGGCCACCCTCCAGACCCCTCT-3'
Protein context (NP_001139281.1, residues 996-1016): SRQMQTEKKR[Leu1006=]QQHIQELEAH